The following is an entry in ClinVar:

NM_012123.4(MTO1):c.1555_1563del (p.Lys519_Ile521del)

Gene: MTO1 (mitochondrial tRNA translation optimization 1; plus strand). Cytogenetic location: 6q13.
Variant type: Deletion.
Coding change: c.1555_1563del on transcript NM_012123.4 (MANE Select); coding-DNA positions 1555 to 1563, 9 bases deleted (AAATCTATT; older notation c.1555_1563delAAATCTATT).
Protein change: p.Lys519_Ile521del.
Genome position (GRCh38, 1-based): chr6:73,482,538-73,482,546, AAATCTATT deleted. VCF-style (leftmost placement, unchanged base first): chr6-73482537-GAAATCTATT-G. GRCh37 (hg19) VCF-style: chr6-74192260-GAAATCTATT-G.
Other names: c.1675_1683del, p.Lys559_Ile561del (NM_001123226.2); c.1630_1638del, p.Lys544_Ile546del (NM_133645.3).
Identifiers: ClinVar variation 4849527 (VCV004849527.1).
Genomic context (GRCh38, chr6:73,482,537, plus strand): 5'-ACAACGATATGAAAGAGCTTGTTGGATGAAGTCTTCTTTAGAAGAAGGCATTTCTGTGTT[GAAATCTATT>G]GAGTTTTTGAGCTCTAAATGGAAAAAATTAATCCCAGAGGCTTCTATAAGTACTAGTAGA-3'

ClinVar aggregate classification (germline): Pathogenic (1 of 4 stars; one submission).

Conditions:
Fetal anomalies with a likely genetic cause.

Submission:

Genetics Laboratory, Great Ormond Street Hospital NHS Foundation Trust, North Thames Genomic Laboratory Hub
Classification: Pathogenic for Fetal anomalies with a likely genetic cause. Last evaluated: 2026-03-03. Review status: criteria provided, single submitter. Criteria: ACGS Best Practice Guidelines for Variant Classification in Rare Disease 2024 v1.2. Collection method: clinical testing. Allele origin: germline. Affected: yes.
Comment: PM2_moderate, PVS1_very-strong